The following is an entry in ClinVar:

NM_004727.3(SLC24A1):c.1927G>A (p.Asp643Asn)

Gene: SLC24A1 (solute carrier family 24 member 1; plus strand). Cytogenetic location: 15q22.31.
Variant type: single nucleotide variant.
Coding change: c.1927G>A on transcript NM_004727.3 (MANE Select); coding-DNA position 1927, G replaced by A.
Protein change: p.Asp643Asn; replaces aspartic acid 643 with asparagine.
Molecular consequence: missense variant. On other transcripts: intron variant (2).
Genome position (GRCh38, 1-based): chr15:65,638,164, G>A. VCF-style: chr15-65638164-G-A. GRCh37 (hg19) VCF-style: chr15-65930502-G-A.
Other names: c.1927G>A, p.Asp643Asn (NM_001301031.1); c.1891-1431G>A (NM_001301033.2, NM_001301032.1); short protein forms D643N.
Identifiers: ClinVar variation 2041417 (VCV002041417.4), dbSNP rs1271968195, ClinGen allele CA392919515.

ClinVar aggregate classification (germline): Uncertain significance (1 of 4 stars; one submission).

Allele frequency attached by ClinVar (database versions not stated): TOPMed below 0.00001; gnomAD 0.00001.
gnomAD v4.1: 1 of 1,609,628 alleles (0.000062%); highest among the groups gnomAD compares: Admixed American, 0.0017%; no homozygotes.

Submission:

Labcorp Genetics (formerly Invitae), Labcorp
Classification: Uncertain significance. Last evaluated: 2021-12-13. Review status: criteria provided, single submitter. Criteria: Invitae Variant Classification Sherloc (09022015). Collection method: clinical testing. Allele origin: germline.
Comment: In summary, the available evidence is currently insufficient to determine the role of this variant in disease. Therefore, it has been classified as a Variant of Uncertain Significance. Algorithms developed to predict the effect of missense changes on protein structure and function output the following: SIFT: "Tolerated"; PolyPhen-2: "Benign"; Align-GVGD: "Class C0". The asparagine amino acid residue is found in multiple mammalian species, which suggests that this missense change does not adversely affect protein function. This variant has not been reported in the literature in individuals affected with SLC24A1-related conditions. This variant is not present in population databases (gnomAD no frequency). This sequence change replaces aspartic acid, which is acidic and polar, with asparagine, which is neutral and polar, at codon 643 of the SLC24A1 protein (p.Asp643Asn).